The following is an entry in ClinVar:

NM_014855.3(AP5Z1):c.1923C>G (p.Ser641Arg)

Gene: AP5Z1 (adaptor related protein complex 5 subunit zeta 1; plus strand). Cytogenetic location: 7p22.1.
Variant type: single nucleotide variant.
Coding change: c.1923C>G on transcript NM_014855.3 (MANE Select); coding-DNA position 1923, C replaced by G.
Protein change: p.Ser641Arg; replaces serine 641 with arginine.
Molecular consequence: missense variant. On other transcripts: non-coding transcript variant (1).
Genome position (GRCh38, 1-based): chr7:4,790,576, C>G. VCF-style: chr7-4790576-C-G. GRCh37 (hg19) VCF-style: chr7-4830207-C-G.
Other names: c.1455C>G, p.Ser485Arg (NM_001364858.1); c.1923C>G (NM_014855.2); short protein forms S485R, S641R.
Identifiers: ClinVar variation 1063048 (VCV001063048.10), dbSNP rs773754717, ClinGen allele CA4138184.

ClinVar aggregate classification (germline): Uncertain significance. Review status: criteria provided, multiple submitters, no conflicts (2 of 4 stars). 2 submissions from 2 submitters: Uncertain significance (2). Last evaluated 2025-09-11.

Conditions:
Inborn genetic diseases. Identifiers: MedGen C0950123, MeSH D030342.
Hereditary spastic paraplegia 48. Also called: SPASTIC PARAPLEGIA 48, AUTOSOMAL RECESSIVE; Spastic paraplegia 48. Identifiers: Orphanet 306511, MedGen C3150901, MONDO:0013342, OMIM 613647.

Allele frequency attached by ClinVar (database versions not stated): gnomAD exomes below 0.00001; ExAC 0.00001.
gnomAD v4.1: 1 of 1,612,926 alleles (0.000062%); highest among the groups gnomAD compares: East Asian, 0.0022%; no homozygotes.

Submissions (2):

Ambry Genetics
Classification: Uncertain significance for Inborn genetic diseases. Last evaluated: 2025-09-11. Review status: criteria provided, single submitter. Criteria: Ambry Variant Classification Scheme 2023. Collection method: clinical testing. Allele origin: germline.

Labcorp Genetics (formerly Invitae), Labcorp
Classification: Uncertain significance for Hereditary spastic paraplegia 48. Last evaluated: 2022-07-19. Review status: criteria provided, single submitter. Criteria: Invitae Variant Classification Sherloc (09022015). Collection method: clinical testing. Allele origin: germline.
Comment: This sequence change replaces serine, which is neutral and polar, with arginine, which is basic and polar, at codon 641 of the AP5Z1 protein (p.Ser641Arg). This variant is present in population databases (rs773754717, gnomAD 0.006%). In summary, the available evidence is currently insufficient to determine the role of this variant in disease. Therefore, it has been classified as a Variant of Uncertain Significance. Algorithms developed to predict the effect of missense changes on protein structure and function output the following: SIFT: "Tolerated"; PolyPhen-2: "Benign"; Align-GVGD: "Class C0". The arginine amino acid residue is found in multiple mammalian species, which suggests that this missense change does not adversely affect protein function. ClinVar contains an entry for this variant (Variation ID: 1063048). This variant has not been reported in the literature in individuals affected with AP5Z1-related conditions.